The following is an entry in ClinVar:

NM_005157.6(ABL1):c.2923C>T (p.Pro975Ser)

Gene: ABL1 (ABL proto-oncogene 1, non-receptor tyrosine kinase; plus strand). Cytogenetic location: 9q34.12.
Variant type: single nucleotide variant.
Coding change: c.2923C>T on transcript NM_005157.6 (MANE Select); coding-DNA position 2923, C replaced by T.
Protein change: p.Pro975Ser; replaces proline 975 with serine.
Molecular consequence: missense variant.
Genome position (GRCh38, 1-based): chr9:130,885,213, C>T. VCF-style: chr9-130885213-C-T. GRCh37 (hg19) VCF-style: chr9-133760600-C-T.
Other names: c.2980C>T, p.Pro994Ser (NM_007313.3); short protein forms P975S, P994S.
Identifiers: ClinVar variation 4692743 (VCV004692743.1).

ClinVar aggregate classification (germline): Uncertain significance (1 of 4 stars; one submission).

gnomAD v4.1: 2 of 1,613,666 alleles (0.00012%); highest among the groups gnomAD compares: African/African-American, 0.0027%; no homozygotes.

Submission:

Labcorp Genetics (formerly Invitae), Labcorp
Classification: Uncertain significance. Last evaluated: 2025-02-06. Review status: criteria provided, single submitter. Criteria: Invitae Variant Classification Sherloc (09022015). Collection method: clinical testing. Allele origin: germline.
Comment: This sequence change replaces proline, which is neutral and non-polar, with serine, which is neutral and polar, at codon 994 of the ABL1 protein (p.Pro994Ser). This variant is not present in population databases (gnomAD no frequency). This variant has not been reported in the literature in individuals affected with ABL1-related conditions. Invitae Evidence Modeling of protein sequence and biophysical properties (such as structural, functional, and spatial information, amino acid conservation, physicochemical variation, residue mobility, and thermodynamic stability) indicates that this missense variant is not expected to disrupt ABL1 protein function with a negative predictive value of 95%. In summary, the available evidence is currently insufficient to determine the role of this variant in disease. Therefore, it has been classified as a Variant of Uncertain Significance.